The following is an entry in ClinVar:

ClinVar aggregate classification (germline): Pathogenic/Likely pathogenic. Review status: criteria provided, multiple submitters, no conflicts (2 of 4 stars). 10 submissions from 10 submitters: Pathogenic (8); Likely pathogenic (2). Last evaluated 2025-11-05.

Conditions:
Leigh syndrome (NULS). Also called: LEIGH SYNDROME, NUCLEAR; Subacute necrotizing encephalopathy; Necrotizing encephalopathy infantile subacute of Leigh; Leigh's syndrome; Leigh Disease; Leigh Syndrome (mtDNA deletion). Identifiers: Orphanet 506, MedGen C2931891, MONDO:0009723, OMIM 256000.
ECHS1-related disorders.
Mitochondrial short-chain Enoyl-Coa hydratase 1 deficiency. Also called: Mitochondrial Short-Chain Enoyl-CoA Hydratase Deficiency; PxMD-ECHS1; ECHS1 deficiency. Identifiers: Orphanet 255241, Orphanet 653880, MedGen C4225391, MONDO:0014563, OMIM 616277.

Submissions (10):

Labcorp Genetics (formerly Invitae), Labcorp
Classification: Pathogenic. Last evaluated: 2025-11-05. Review status: criteria provided, single submitter. Criteria: Invitae Variant Classification Sherloc (09022015). Collection method: clinical testing. Allele origin: germline.
Comment: This sequence change creates a premature translational stop signal (p.Gly42Glufs*3) in the ECHS1 gene. It is expected to result in an absent or disrupted protein product. Loss-of-function variants in ECHS1 are known to be pathogenic (PMID: 25393721, 26000322, 27090768). This variant is present in population databases (rs746519257, gnomAD 0.02%). This premature translational stop signal has been observed in individual(s) with clinical features of mitochondrial short-chain enoyl-CoA hydratase 1 deficiency (PMID: 30831263). ClinVar contains an entry for this variant (Variation ID: 802643). For these reasons, this variant has been classified as Pathogenic.

Victorian Clinical Genetics Services, Murdoch Childrens Research Institute
Classification: Pathogenic for Mitochondrial short-chain Enoyl-Coa hydratase 1 deficiency. Last evaluated: 2024-10-10. Review status: criteria provided, single submitter. Criteria: ACMG Guidelines, 2015. Collection method: clinical testing. Allele origin: germline. Inheritance: Autosomal recessive inheritance.
Comment: Based on the classification scheme VCGS_Germline_v1.3.5, this variant is classified as Pathogenic. Following criteria are met: 0102 - Loss of function is a known mechanism of disease in this gene and is associated with mitochondrial short-chain enoyl-CoA hydratase 1 deficiency (MIM#616277). (I) 0106 - This gene is associated with autosomal recessive disease. (I) 0115 - Variants in this gene are known to have variable expressivity. The age at onset and clinical manifestations of ECHS1 deficiency, are known to vary from severe neonatal onset to a slowly progressive juvenile form (PMID: 36064416). (I) 0201 - Variant is predicted to cause nonsense-mediated decay (NMD) and loss of protein (premature termination codon is located at least 54 nucleotides upstream of the final exon-exon junction). (SP) 0251 - This variant is heterozygous. (I) 0304 - Variant is present in gnomAD (v4) <0.01 for a recessive condition (178 heterozygotes, 0 homozygotes). (SP) 0702 - Other NMD-predicted variants comparable to the one identified in this case have strong previous evidence for pathogenicity (DECIPHER, PMID: 27905109). (SP) 0801 - This variant has strong previous evidence of pathogenicity in unrelated individuals. This variant has been reported six times as pathogenic or likely pathogenic by clinical testing laboratories and has been reported in a compound heterozygous state in multiple individuals with ECHS1 deficiency-related symptoms (PMIDs: 36064416, 34052969, 30831263, ClinVar). (SP) 0905 - No published segregation evidence has been identified for this variant. (I) 1007 - No published functional evidence has been identified for this variant. (I) Legend: (SP) - Supporting pathogenic, (I) - Information, (SB) - Supporting benign

Blueprint Genetics
Classification: Pathogenic for ECHS1-related disorders. Last evaluated: 2024-09-16. Review status: criteria provided, single submitter. Criteria: ACMG Guidelines, 2015. Collection method: clinical testing. Allele origin: germline. Affected: yes. Observed: 5 variant alleles.

Revvity Omics, Revvity
Classification: Pathogenic for Mitochondrial short-chain Enoyl-Coa hydratase 1 deficiency. Last evaluated: 2024-05-17. Review status: criteria provided, single submitter. Criteria: ACMG Guidelines, 2015. Collection method: clinical testing. Allele origin: germline.

Service de Génétique Médicale, Centre Hospitalier Universitaire de Nice-Université Côte d'Azur
Classification: Likely pathogenic for Mitochondrial short-chain Enoyl-Coa hydratase 1 deficiency. Last evaluated: 2024-02-27. Review status: criteria provided, single submitter. Criteria: ACMG Guidelines, 2015. Collection method: clinical testing. Allele origin: germline. Affected: yes.

GeneDx
Classification: Pathogenic. Last evaluated: 2022-11-21. Review status: criteria provided, single submitter. Criteria: GeneDx Variant Classification Process June 2021. Collection method: clinical testing. Allele origin: germline. Affected: yes.
Comment: Frameshift variant predicted to result in protein truncation or nonsense mediated decay in a gene for which loss-of-function is a known mechanism of disease; This variant is associated with the following publications: (PMID: 32677093, 30831263, 34052969)

Fulgent Genetics
Classification: Pathogenic for Mitochondrial short-chain Enoyl-Coa hydratase 1 deficiency. Last evaluated: 2022-03-07. Review status: criteria provided, single submitter. Criteria: ACMG Guidelines, 2015. Collection method: clinical testing. Allele origin: unknown.

Laboratory for Molecular Medicine, Mass General Brigham Personalized Medicine
Classification: Likely pathogenic for Leigh syndrome. Last evaluated: 2022-03-02. Review status: criteria provided, single submitter. Criteria: ACMG Guidelines, 2015. Collection method: clinical testing. Allele origin: germline. Inheritance: Autosomal recessive inheritance.
Comment: The p.Gly42GlufsX3 variant in ECHS1 has been reported in 2 compound heterozygote individuals with suspected Leigh-like mitochondrial disease, and was in trans with either p.Ala238Val or p.Thr277Ile in these individuals (Nogueira 2019 PMID: 30831263, Marti-Sanchez 2021 PMID: 32677093). It has also been identified in 0.02% (2/7128) of “Other” and 0.019% (6/30300) of South Asian chromosomes by gnomAD. This variant has also been reported in ClinVar (Variation ID 802643). This variant is predicted to cause a frameshift, which alters the protein’s amino acid sequence beginning at position 42 and leads to a premature termination codon 3 amino acids downstream. This alteration is then predicted to lead to a truncated or absent protein. Loss of function of the ECHS1 gene is an established disease mechanism in autosomal recessive mitochondrial short-chain enoyl-CoA hydratase deficiency (ECHS1D). In summary, although additional studies are required to fully establish its clinical significance, this variant meets criteria to be classified as likely pathogenic for autosomal recessive ECHS1D. ACMG/AMP Criteria applied: PVS1, PM3_M.

Laboratorio de Genetica e Diagnostico Molecular, Hospital Israelita Albert Einstein
Classification: Pathogenic. Last evaluated: 2020-04-04. Review status: criteria provided, single submitter. Criteria: ACMG Guidelines, 2015. Collection method: clinical testing. Allele origin: germline. Affected: yes.
Comment: ACMG classification criteria: PVS1, PS4, PM2, PM3

Mendelics
Classification: Pathogenic for Mitochondrial short-chain Enoyl-Coa hydratase 1 deficiency. Last evaluated: 2019-05-28. Review status: criteria provided, single submitter. Criteria: Mendelics Assertion Criteria 2017. Collection method: clinical testing. Allele origin: unknown.

Literature cited by the submitters: PubMed 25393721 (cited by Labcorp Genetics (formerly Invitae), Labcorp); PubMed 26000322 (cited by Labcorp Genetics (formerly Invitae), Labcorp); PubMed 27090768 (cited by Labcorp Genetics (formerly Invitae), Labcorp); PubMed 30831263 (cited by 3 submitters); PubMed 27905109 (cited by Victorian Clinical Genetics Services, Murdoch Childrens Research Institute); PubMed 34052969 (cited by Victorian Clinical Genetics Services, Murdoch Childrens Research Institute); PubMed 36064416 (cited by Victorian Clinical Genetics Services, Murdoch Childrens Research Institute); PubMed 38703036 (cited by Service de Génétique Médicale, Centre Hospitalier Universitaire de Nice-Université Côte d'Azur); PubMed 32677093 (cited by Laboratory for Molecular Medicine, Mass General Brigham Personalized Medicine).

NM_004092.4(ECHS1):c.123_124del (p.Gly42fs)

Gene: ECHS1 (enoyl-CoA hydratase, short chain 1; minus strand). Cytogenetic location: 10q26.3.
Variant type: Microsatellite.
Coding change: c.123_124del on transcript NM_004092.4 (MANE Select); coding-DNA positions 123 to 124, 2 bases deleted (AG; older notation c.123_124delAG).
Protein change: p.Gly42fs; shifts the reading frame from glycine 42.
Molecular consequence: frameshift variant.
Genome position (GRCh38, 1-based): chr10:133,370,722-133,370,723, CT deleted on the plus strand (AG on the coding strand, the reverse complement: ECHS1 is on the minus strand); deleting any 2 consecutive bases within chr10:133,370,722-133,370,725 gives the same sequence; the c. name uses the placement nearest the transcript's 3' end. VCF-style (leftmost placement, unchanged base first): chr10-133370721-CCT-C. GRCh37 (hg19) VCF-style: chr10-135184225-CCT-C.
Other names: c.123_124del (NM_004092.3); short protein forms G42fs.
Identifiers: ClinVar variation 802643 (VCV000802643.21), dbSNP rs746519257, ClinGen allele CA5765868.